The following is an entry in ClinVar:

ClinVar aggregate classification (germline): Pathogenic (0 of 4 stars; one submission).

Submission:

Quest Diagnostics Nichols Institute San Juan Capistrano
Classification: Pathogenic. Last evaluated: 2021-03-01. Review status: no assertion criteria provided. Collection method: clinical testing. Allele origin: germline.
Comment: The proximal chromosome 22q11.21 deletion interval (LCR22-A and -C) is associated with the chromosome 22q11.2 deletion syndrome (a.k.a., Velocardiofacial syndrome (VCFS) or DiGeorge syndrome (DGS) (OMIM #192430 and #188400). Haploinsufficiency of the TBX1 gene in particular is responsible for most of the clinical features of DiGeorge syndrome. Individuals with chromosome 22q11.21 deletion syndrome have a range of phenotypic findings, including congenital heart defects, particularly conotruncal malformations (tetralogy of Fallot, interrupted aortic arch, ventricular septal defect, and truncus arteriosus), palatal abnormalities, characteristic facial features, learning difficulties, and immune deficiency. About 2% of patients with DGS have a deletion extending from LCRs A-C (atypical nested deletion) (GeneReviews [Internet].

GRCh37/hg19 22q11.21(chr22:18916842-20310938)x1

Genes: ARVCF (ARVCF delta catenin family member; minus strand), C22orf39 (chromosome 22 open reading frame 39; minus strand), CDC45 (cell division cycle 45; plus strand), CLDN5 (claudin 5; minus strand), CLTCL1 (clathrin heavy chain like 1; minus strand) and 23 more. Cytogenetic location: 22q11.21.
Variant type: copy number loss.
Change: copy number 1 (one copy instead of two) of chr22:18,916,842-20,310,938 (1.39 Mb, GRCh37 coordinates, 1-based), cytogenetic band 22q11.21.
Identifiers: ClinVar variation 565020 (VCV000565020.4).